The following is an entry in ClinVar:

NM_000642.3(AGL):c.4118G>C (p.Cys1373Ser)

Gene: AGL (amylo-alpha-1,6-glucosidase and 4-alpha-glucanotransferase; plus strand). Cytogenetic location: 1p21.2.
Variant type: single nucleotide variant.
Coding change: c.4118G>C on transcript NM_000642.3 (MANE Select); coding-DNA position 4118, G replaced by C.
Protein change: p.Cys1373Ser; replaces cysteine 1373 with serine.
Molecular consequence: missense variant.
Genome position (GRCh38, 1-based): chr1:99,913,695, G>C. VCF-style: chr1-99913695-G-C. GRCh37 (hg19) VCF-style: chr1-100379251-G-C.
Other names: c.4118G>C, p.Cys1373Ser (NM_000028.3, NM_000643.3, NM_000644.3 and 1 more transcripts); c.4070G>C, p.Cys1357Ser (NM_000646.3); c.4097G>C, p.Cys1366Ser (NM_001425326.1); c.3917G>C, p.Cys1306Ser (NM_001425327.1); c.3914G>C, p.Cys1305Ser (NM_001425328.1); c.3779G>C, p.Cys1260Ser (NM_001425329.1); c.3740G>C, p.Cys1247Ser (NM_001425332.1); short protein forms C1357S, C1373S, C1247S, C1260S, C1305S, C1306S, C1366S.
Identifiers: ClinVar variation 1939008 (VCV001939008.2), dbSNP rs2523826472, ClinGen allele CA341340218.
Genomic context (GRCh38, chr1:99,913,695, plus strand): 5'-CAAATCTGGTTCACAAACGTGGCATATACAAAGATAGTTATGGAGCTTCAAGTCCTTGGT[G>C]TGACTATCAGCTCAGGCCTAATTTTACCATAGCAATGGTTGTGGTAGGTGATTCGTTTGT-3'
Protein context (NP_000633.2, residues 1363-1383): KDSYGASSPW[Cys1373Ser]DYQLRPNFTI

ClinVar aggregate classification (germline): Uncertain significance (1 of 4 stars; one submission).

Conditions:
Glycogen storage disease type III (GSD3). Also called: Cori disease; FORBES DISEASE. Identifiers: Orphanet 366, MedGen C0017922, MONDO:0009291, OMIM 232400.

Submission:

Labcorp Genetics (formerly Invitae), Labcorp
Classification: Uncertain significance for Glycogen storage disease type III. Last evaluated: 2022-01-01. Review status: criteria provided, single submitter. Criteria: Invitae Variant Classification Sherloc (09022015). Collection method: clinical testing. Allele origin: germline.
Comment: This sequence change replaces cysteine, which is neutral and slightly polar, with serine, which is neutral and polar, at codon 1373 of the AGL protein (p.Cys1373Ser). This variant is not present in population databases (gnomAD no frequency). This variant has not been reported in the literature in individuals affected with AGL-related conditions. Algorithms developed to predict the effect of missense changes on protein structure and function (SIFT, PolyPhen-2, Align-GVGD) all suggest that this variant is likely to be tolerated. In summary, the available evidence is currently insufficient to determine the role of this variant in disease. Therefore, it has been classified as a Variant of Uncertain Significance.